The following is an entry in ClinVar:

ClinVar aggregate classification (germline): Likely benign (1 of 4 stars; one submission).

gnomAD v4.1: 34 of 1,528,358 alleles (0.0022%); highest among the groups gnomAD compares: Non-Finnish European, 0.0027%; no homozygotes.

Submission:

CeGaT Center for Human Genetics Tuebingen
Classification: Likely benign. Last evaluated: 2025-06-01. Review status: criteria provided, single submitter. Criteria: CeGaT Center For Human Genetics Tuebingen Variant Classification Criteria Version 2. Collection method: clinical testing. Allele origin: germline. Affected: yes. Observed: 1 variant allele.
Comment: PDE4D: BP4

NM_001165899.2(PDE4D):c.-1G>A

Gene: PDE4D (phosphodiesterase 4D; minus strand). Cytogenetic location: 5q12.1.
Variant type: single nucleotide variant.
Coding change: c.-1G>A on transcript NM_001165899.2; 1 bases upstream of the start codon, G replaced by A.
Molecular consequence: 5 prime UTR variant.
Genome position (GRCh38, 1-based): chr5:60,185,599, C>T on the plus strand (G>A on the coding strand, the complement: PDE4D is on the minus strand). VCF-style: chr5-60185599-C-T. GRCh37 (hg19) VCF-style: chr5-59481426-C-T.
Other names: c.-104G>A (NM_001349241.2); c.-585G>A (NM_001349243.2); c.-1G>A (NM_001364599.1, NM_001364600.2).
Identifiers: ClinVar variation 4084734 (VCV004084734.8).